The following is an entry in ClinVar:

NM_031471.6(FERMT3):c.409G>A (p.Glu137Lys)

Gene: FERMT3 (FERM domain containing kindlin 3; plus strand). Cytogenetic location: 11q13.1.
Variant type: single nucleotide variant.
Coding change: c.409G>A on transcript NM_031471.6 (MANE Select); coding-DNA position 409, G replaced by A.
Protein change: p.Glu137Lys; replaces glutamic acid 137 with lysine.
Molecular consequence: missense variant. On other transcripts: 5 prime UTR variant (2).
Genome position (GRCh38, 1-based): chr11:64,211,066, G>A. VCF-style: chr11-64211066-G-A. GRCh37 (hg19) VCF-style: chr11-63978538-G-A.
Other names: c.409G>A, p.Glu137Lys (NM_001382361.1, NM_001382362.1, NM_001382448.1 and 1 more transcripts); c.-132G>A (NM_001382363.1, NM_001382364.1); short protein forms E137K.
Identifiers: ClinVar variation 1518489 (VCV001518489.6), dbSNP rs762181713, ClinGen allele CA6068749.

ClinVar aggregate classification (germline): Uncertain significance. Review status: criteria provided, multiple submitters, no conflicts (2 of 4 stars). 2 submissions from 2 submitters: Uncertain significance (2). Last evaluated 2022-08-15.

Conditions:
Leukocyte adhesion deficiency 3. Also called: INTEGRIN ACTIVATION DEFICIENCY DISEASE; LEUKOCYTE ADHESION DEFICIENCY 1 VARIANT; Leukocyte adhesion deficiency, type III. Identifiers: Orphanet 2968, Orphanet 99844, MedGen C2748536, MONDO:0013016, OMIM 612840.

Allele frequency attached by ClinVar (database versions not stated): gnomAD 0.00001 and 0.00002; gnomAD exomes 0.00002; TOPMed 0.00002; ExAC 0.00006.

Submissions (2):

Labcorp Genetics (formerly Invitae), Labcorp
Classification: Uncertain significance for Leukocyte adhesion deficiency 3. Last evaluated: 2022-08-15. Review status: criteria provided, single submitter. Criteria: Invitae Variant Classification Sherloc (09022015). Collection method: clinical testing. Allele origin: germline.
Comment: This sequence change replaces glutamic acid, which is acidic and polar, with lysine, which is basic and polar, at codon 137 of the FERMT3 protein (p.Glu137Lys). The frequency data for this variant in the population databases is considered unreliable, as metrics indicate poor data quality at this position in the gnomAD database. This variant has not been reported in the literature in individuals affected with FERMT3-related conditions. ClinVar contains an entry for this variant (Variation ID: 1518489). Algorithms developed to predict the effect of missense changes on protein structure and function are either unavailable or do not agree on the potential impact of this missense change (SIFT: "Deleterious"; PolyPhen-2: "Probably Damaging"; Align-GVGD: "Class C0"). In summary, the available evidence is currently insufficient to determine the role of this variant in disease. Therefore, it has been classified as a Variant of Uncertain Significance.

Breakthrough Genomics
Classification: Uncertain significance. Review status: criteria provided, single submitter. Criteria: ACMG Guidelines, 2015. Collection method: not provided. Allele origin: germline. Inheritance: Autosomal recessive inheritance. Affected: yes.